The following is an entry in ClinVar:

ClinVar aggregate classification (germline): Uncertain significance. Review status: criteria provided, multiple submitters, no conflicts (2 of 4 stars). 2 submissions from 2 submitters: Uncertain significance (2). Last evaluated 2024-02-05.

Conditions:
Inborn genetic diseases. Identifiers: MedGen C0950123, MeSH D030342.

Allele frequency attached by ClinVar (database versions not stated): ExAC 0.00002; gnomAD 0.00002; TOPMed 0.00002.
gnomAD v4.1: 19 of 1,606,702 alleles (0.0012%); highest among the groups gnomAD compares: African/African-American, 0.004%; no homozygotes.

Submissions (2):

Ambry Genetics
Classification: Uncertain significance for Inborn genetic diseases. Last evaluated: 2024-02-05. Review status: criteria provided, single submitter. Criteria: Ambry Variant Classification Scheme 2023. Collection method: clinical testing. Allele origin: germline.

GeneDx
Classification: Uncertain significance. Last evaluated: 2022-12-02. Review status: criteria provided, single submitter. Criteria: GeneDx Variant Classification Process June 2021. Collection method: clinical testing. Allele origin: germline. Affected: yes.
Comment: In silico analysis supports that this missense variant has a deleterious effect on protein structure/function; Has not been previously published as pathogenic or benign to our knowledge

NM_018896.5(CACNA1G):c.3679G>A (p.Glu1227Lys)

Gene: CACNA1G (calcium voltage-gated channel subunit alpha1 G; plus strand). Cytogenetic location: 17q21.33.
Variant type: single nucleotide variant.
Coding change: c.3679G>A on transcript NM_018896.5 (MANE Select); coding-DNA position 3679, G replaced by A.
Protein change: p.Glu1227Lys; replaces glutamic acid 1227 with lysine.
Molecular consequence: missense variant. On other transcripts: non-coding transcript variant (5).
Genome position (GRCh38, 1-based): chr17:50,599,848, G>A. VCF-style: chr17-50599848-G-A. GRCh37 (hg19) VCF-style: chr17-48677209-G-A.
Other names: c.3679G>A, p.Glu1227Lys (NM_001256324.2, NM_001256325.2, NM_001256326.2 and 16 more transcripts); c.3610G>A, p.Glu1204Lys (NM_001256332.2, NM_198376.3, NM_198379.3 and 5 more transcripts); c.3679G>A (NM_018896.3); short protein forms E1204K, E1227K.
Identifiers: ClinVar variation 2504214 (VCV002504214.2), dbSNP rs60039322, ClinGen allele CA8652780.
Genomic context (GRCh38, chr17:50,599,848, plus strand): 5'-CGCCTGGCCCGGGCCCTGCGGCCTGATGACCCCCCACTGGATGGGGATGACGCCGATGAC[G>A]AGGGCAACCTGGTGAGGCCCCTGTGGGCACAGTGACCCCTCACCCCTGACCTTGAAAGAG-3'
Protein context (NP_061496.2, residues 1217-1237): PPLDGDDADD[Glu1227Lys]GNLSKGERVR